The following is an entry in ClinVar:

ClinVar aggregate classification (germline): Pathogenic. Review status: criteria provided, multiple submitters, no conflicts (2 of 4 stars). 2 submissions from 2 submitters: Pathogenic (2). Last evaluated 2019-07-01.

Conditions:
DICER1-related tumor predisposition. Also called: DICER1 syndrome; DICER1-related pleuropulmonary blastoma cancer predisposition syndrome. Identifiers: Orphanet 284343, MedGen C3839822, MONDO:0100216.

Submissions (2):

Foulkes Cancer Genetics LDI, Lady Davis Institute for Medical Research
Classification: Pathogenic for Pleuropulmonary blastoma. Last evaluated: 2019-07-01. Review status: criteria provided, single submitter. Criteria: ACMG Guidelines, 2015. Collection method: curation. Allele origin: germline. Affected: yes. Observed: 1 variant allele.
Comment: ACMG criteria met: PVS1, PM2, PP4

International Pleuropulmonary Blastoma Registry, Children's Hospitals and Clinics of Minnesota
Classification: Pathogenic for Pleuropulmonary blastoma. Last evaluated: 2014-11-10. Review status: criteria provided, single submitter. Criteria: Hill et al. (Science. 2009). Collection method: clinical testing. Allele origin: germline. Affected: yes. Study: PPB-DICER1 Genetic study.

Literature cited by the submitters: PubMed 26925222 (cited by Foulkes Cancer Genetics LDI, Lady Davis Institute for Medical Research and International Pleuropulmonary Blastoma Registry, Children's Hospitals and Clinics of Minnesota).

NM_177438.3(DICER1):c.1907+1del

Gene: DICER1 (dicer 1, ribonuclease III; minus strand). Cytogenetic location: 14q32.13.
Variant type: Deletion.
Coding change: c.1907+1del on transcript NM_177438.3 (MANE Select); the canonical splice donor site of the intron after coding-DNA position 1907, one base deleted (G; older notation c.1907+1delG).
Molecular consequence: splice donor variant.
Genome position (GRCh38, 1-based): chr14:95,115,666, C deleted on the plus strand (G on the coding strand, the reverse complement: DICER1 is on the minus strand); the first of 2 consecutive C bases (chr14:95,115,666-95,115,667); deleting either gives the same sequence. VCF-style (leftmost placement, unchanged base first): chr14-95115665-AC-A. GRCh37 (hg19) VCF-style: chr14-95582002-AC-A.
Other names: 5' splice site, intron 11; c.1907+1delG (NM_177438.2); c.1907+1del (NM_001291628.2, NM_030621.4, NM_001395677.1 and 12 more transcripts); c.1502+1del (NM_001395690.1, NM_001395687.1, NM_001395689.1 and 3 more transcripts); c.1625+1del (NM_001395686.1); c.1340+1del (NM_001395691.1); c.224+1del (NM_001395697.1).
Identifiers: ClinVar variation 254299 (VCV000254299.4), dbSNP rs886037681, ClinGen allele CA10586448.